The following is an entry in ClinVar:

NM_212482.4(FN1):c.584A>G (p.Tyr195Cys)

Gene: FN1 (fibronectin 1; minus strand). Cytogenetic location: 2q35.
Variant type: single nucleotide variant.
Coding change: c.584A>G on transcript NM_212482.4 (MANE Select); coding-DNA position 584, A replaced by G.
Protein change: p.Tyr195Cys; replaces tyrosine 195 with cysteine.
Molecular consequence: missense variant.
Genome position (GRCh38, 1-based): chr2:215,430,816, T>C on the plus strand (A>G on the coding strand, the complement: FN1 is on the minus strand). VCF-style: chr2-215430816-T-C. GRCh37 (hg19) VCF-style: chr2-216295539-T-C.
Other names: c.584A>G, p.Tyr195Cys (NM_001306129.2, NM_001306130.2, NM_001306131.2 and 14 more transcripts); short protein forms Y195C.
Identifiers: ClinVar variation 2793994 (VCV002793994.3), dbSNP rs2066378406, ClinGen allele CA350475859.

ClinVar aggregate classification (germline): Uncertain significance (1 of 4 stars; one submission).

Allele frequency attached by ClinVar (database versions not stated): gnomAD exomes below 0.00001.
gnomAD v4.1: 1 of 1,614,048 alleles (0.000062%); highest among the groups gnomAD compares: East Asian, 0.0022%; no homozygotes.

Submission:

Labcorp Genetics (formerly Invitae), Labcorp
Classification: Uncertain significance. Last evaluated: 2023-11-18. Review status: criteria provided, single submitter. Criteria: Invitae Variant Classification Sherloc (09022015). Collection method: clinical testing. Allele origin: germline.
Comment: This sequence change replaces tyrosine, which is neutral and polar, with cysteine, which is neutral and slightly polar, at codon 195 of the FN1 protein (p.Tyr195Cys). This variant is not present in population databases (gnomAD no frequency). This variant has not been reported in the literature in individuals affected with FN1-related conditions. Advanced modeling of protein sequence and biophysical properties (such as structural, functional, and spatial information, amino acid conservation, physicochemical variation, residue mobility, and thermodynamic stability) has been performed at Invitae for this missense variant, however the output from this modeling did not meet the statistical confidence thresholds required to predict the impact of this variant on FN1 protein function. In summary, the available evidence is currently insufficient to determine the role of this variant in disease. Therefore, it has been classified as a Variant of Uncertain Significance.